The following is an entry in ClinVar:

NM_001042492.3(NF1):c.3411del (p.Arg1137fs)

Gene: NF1 (neurofibromin 1; plus strand). Cytogenetic location: 17q11.2.
Variant type: Deletion.
Coding change: c.3411del on transcript NM_001042492.3 (MANE Select); coding-DNA position 3411, one base deleted (G; older notation c.3411delG).
Protein change: p.Arg1137fs; shifts the reading frame from arginine 1137.
Molecular consequence: frameshift variant.
Genome position (GRCh38, 1-based): chr17:31,232,796, G deleted; the last of 2 consecutive G bases (chr17:31,232,795-31,232,796); deleting either gives the same sequence. VCF-style (leftmost placement, unchanged base first): chr17-31232794-AG-A. GRCh37 (hg19) VCF-style: chr17-29559812-AG-A.
Other names: c.3411delG, p.Arg1137Serfs (NM_000267.4); short protein forms R1137fs.
Identifiers: ClinVar variation 2836029 (VCV002836029.3), dbSNP rs2508232078, ClinGen allele CA2739267372.

ClinVar aggregate classification (germline): Pathogenic (1 of 4 stars; one submission).

Conditions:
Neurofibromatosis, type 1 (NF1). Also called: VON RECKLINGHAUSEN DISEASE; NEUROFIBROMATOSIS, TYPE I, SOMATIC; Neurofibromatosis, type I; Peripheral type neurofibromatosis. Identifiers: Orphanet 636, MedGen C0027831, MONDO:0018975, OMIM 162200. Disease mechanism: loss of function.

Submission:

Labcorp Genetics (formerly Invitae), Labcorp
Classification: Pathogenic for Neurofibromatosis, type 1. Last evaluated: 2023-02-10. Review status: criteria provided, single submitter. Criteria: Invitae Variant Classification Sherloc (09022015). Collection method: clinical testing. Allele origin: germline.
Comment: This sequence change creates a premature translational stop signal (p.Arg1137Serfs*5) in the NF1 gene. It is expected to result in an absent or disrupted protein product. Loss-of-function variants in NF1 are known to be pathogenic (PMID: 10712197, 23913538). This variant is not present in population databases (gnomAD no frequency). This variant has not been reported in the literature in individuals affected with NF1-related conditions. For these reasons, this variant has been classified as Pathogenic.

Literature cited by the submitters: PubMed 10712197; PubMed 23913538.